The following is an entry in ClinVar:

ClinVar aggregate classification (germline): Uncertain significance (1 of 4 stars; one submission).

Allele frequency attached by ClinVar (database versions not stated): gnomAD 0.00001; TOPMed 0.00002.
gnomAD v4.1: 1 of 1,613,850 alleles (0.000062%); highest among the groups gnomAD compares: Admixed American, 0.0017%; no homozygotes.

Submission:

Labcorp Genetics (formerly Invitae), Labcorp
Classification: Uncertain significance. Last evaluated: 2021-11-22. Review status: criteria provided, single submitter. Criteria: Invitae Variant Classification Sherloc (09022015). Collection method: clinical testing. Allele origin: germline.
Comment: This sequence change replaces aspartic acid, which is acidic and polar, with tyrosine, which is neutral and polar, at codon 1638 of the MYO7A protein (p.Asp1638Tyr). This variant is not present in population databases (gnomAD no frequency). This variant has not been reported in the literature in individuals affected with MYO7A-related conditions. Advanced modeling of protein sequence and biophysical properties (such as structural, functional, and spatial information, amino acid conservation, physicochemical variation, residue mobility, and thermodynamic stability) performed at Invitae indicates that this missense variant is not expected to disrupt MYO7A protein function. In summary, the available evidence is currently insufficient to determine the role of this variant in disease. Therefore, it has been classified as a Variant of Uncertain Significance.

NM_000260.4(MYO7A):c.4912G>T (p.Asp1638Tyr)

Gene: MYO7A (myosin VIIA; plus strand). Cytogenetic location: 11q13.5.
Variant type: single nucleotide variant.
Coding change: c.4912G>T on transcript NM_000260.4 (MANE Select); coding-DNA position 4912, G replaced by T.
Protein change: p.Asp1638Tyr; replaces aspartic acid 1638 with tyrosine.
Molecular consequence: missense variant.
Genome position (GRCh38, 1-based): chr11:77,201,507, G>T. VCF-style: chr11-77201507-G-T. GRCh37 (hg19) VCF-style: chr11-76912552-G-T.
Other names: c.4798G>T, p.Asp1600Tyr (NM_001127180.2); c.4765G>T, p.Asp1589Tyr (NM_001369365.1); short protein forms D1589Y, D1600Y, D1638Y.
Identifiers: ClinVar variation 1467965 (VCV001467965.3), dbSNP rs1004698357, ClinGen allele CA224851792.